The following is an entry in ClinVar:

ClinVar aggregate classification (germline): Uncertain significance (1 of 4 stars; one submission).

Conditions:
Emery-Dreifuss muscular dystrophy 5, autosomal dominant (EDMD5). Also called: EMERY-DREIFUSS MUSCULAR DYSTROPHY 5. Identifiers: Orphanet 261, MedGen C2751805, MONDO:0013072, OMIM 612999.

Allele frequency attached by ClinVar (database versions not stated): ExAC 0.00001; gnomAD exomes 0.00001; TOPMed 0.00002.
gnomAD v4.1: 13 of 1,614,070 alleles (0.00081%); highest among the groups gnomAD compares: East Asian, 0.0089%; no homozygotes.

Submissions (2):

Labcorp Genetics (formerly Invitae), Labcorp
Classification: Uncertain significance for Emery-Dreifuss muscular dystrophy 5, autosomal dominant. Last evaluated: 2025-03-31. Review status: criteria provided, single submitter. Criteria: Invitae Variant Classification Sherloc (09022015). Collection method: clinical testing. Allele origin: germline.
Comment: This sequence change replaces alanine, which is neutral and non-polar, with valine, which is neutral and non-polar, at codon 3223 of the SYNE2 protein (p.Ala3223Val). This variant is present in population databases (rs781250830, gnomAD 0.01%). This variant has not been reported in the literature in individuals affected with SYNE2-related conditions. ClinVar contains an entry for this variant (Variation ID: 1397667). An algorithm developed to predict the effect of missense changes on protein structure and function outputs the following: PolyPhen-2: "Benign". The valine amino acid residue is found in multiple mammalian species, which suggests that this missense change does not adversely affect protein function. In summary, the available evidence is currently insufficient to determine the role of this variant in disease. Therefore, it has been classified as a Variant of Uncertain Significance.

Dr. Peter K. Rogan Lab, Western University
No classification provided (evidence only). Condition: Acute myeloid leukemia. Review status: no classification provided. Collection method: in vitro. Allele origin: not applicable. Functional consequence: retained intron. Not counted in ClinVar's aggregate classification.

NM_182914.3(SYNE2):c.9668C>T (p.Ala3223Val)

Gene: SYNE2 (spectrin repeat containing nuclear envelope protein 2; plus strand). Cytogenetic location: 14q23.2.
Variant type: single nucleotide variant.
Coding change: c.9668C>T on transcript NM_182914.3 (MANE Select); coding-DNA position 9668, C replaced by T.
Protein change: p.Ala3223Val; replaces alanine 3223 with valine.
Molecular consequence: missense variant.
Genome position (GRCh38, 1-based): chr14:64,053,581, C>T. VCF-style: chr14-64053581-C-T. GRCh37 (hg19) VCF-style: chr14-64520299-C-T.
Other names: c.9668C>T, p.Ala3223Val (NM_015180.6); short protein forms A3223V.
Identifiers: ClinVar variation 1397667 (VCV001397667.7), dbSNP rs781250830, ClinGen allele CA7221306.